The following is an entry in ClinVar:

ClinVar aggregate classification (germline): Benign/Likely benign. Review status: criteria provided, multiple submitters, no conflicts (2 of 4 stars). 4 submissions from 4 submitters: Benign (1); Likely benign (2). 1 of the submissions does not count toward it. Last evaluated 2026-04-01.

Conditions:
DNAH9-related disorder. Also called: DNAH9-related condition.

Allele frequency attached by ClinVar (database versions not stated): 1000 Genomes Project 30x 0.00234; 1000 Genomes Project 0.00240; ExAC 0.00334; gnomAD 0.00350; TOPMed 0.00420; ESP Exome Variant Server 0.00423; gnomAD exomes 0.00527.
gnomAD v4.1: 8,214 of 1,613,832 alleles (0.51%); highest among the groups gnomAD compares: Non-Finnish European, 0.62%; 28 homozygotes.

Submissions (4):

CeGaT Center for Human Genetics Tuebingen
Classification: Likely benign. Last evaluated: 2026-04-01. Review status: criteria provided, single submitter. Criteria: CeGaT Center For Human Genetics Tuebingen Variant Classification Criteria Version 2. Collection method: clinical testing. Allele origin: germline. Affected: yes. Observed: 7 variant alleles.
Comment: DNAH9: BP4, BP7, BS2

Labcorp Genetics (formerly Invitae), Labcorp
Classification: Benign. Last evaluated: 2026-02-03. Review status: criteria provided, single submitter. Criteria: Invitae Variant Classification Sherloc (09022015). Collection method: clinical testing. Allele origin: germline.

Blueprint Genetics
Classification: Likely benign. Last evaluated: 2024-11-27. Review status: criteria provided, single submitter. Criteria: ACMG Guidelines, 2015. Collection method: clinical testing. Allele origin: germline.

PreventionGenetics, part of Exact Sciences
Classification: Likely benign for DNAH9-related condition. Last evaluated: 2019-07-25. Review status: no assertion criteria provided. Collection method: clinical testing. Allele origin: germline. Not counted in ClinVar's aggregate classification.
Comment: This variant is classified as likely benign based on ACMG/AMP sequence variant interpretation guidelines (Richards et al. 2015 PMID: 25741868, with internal and published modifications).

NM_001372.4(DNAH9):c.10764C>T (p.Ala3588=)

Genes: DNAH9 (dynein axonemal heavy chain 9; plus strand), LOC101928350 (uncharacterized LOC101928350; minus strand). Cytogenetic location: 17p12.
Variant type: single nucleotide variant.
Coding change: c.10764C>T on transcript NM_001372.4 (MANE Select); coding-DNA position 10764, C replaced by T.
Protein change: p.Ala3588=; no amino-acid change (alanine 3588 retained).
Molecular consequence: synonymous variant.
Genome position (GRCh38, 1-based): chr17:11,881,371, C>T. VCF-style: chr17-11881371-C-T. GRCh37 (hg19) VCF-style: chr17-11784688-C-T.
Other names: c.10764C>T (NM_001372.3).
Identifiers: ClinVar variation 2042181 (VCV002042181.30), dbSNP rs117577626, ClinGen allele CA8397620.